The following is an entry in ClinVar:

NM_001040142.2(SCN2A):c.3769A>C (p.Met1257Leu)

Gene: SCN2A (sodium voltage-gated channel alpha subunit 2; plus strand). Cytogenetic location: 2q24.3.
Variant type: single nucleotide variant.
Coding change: c.3769A>C on transcript NM_001040142.2 (MANE Select); coding-DNA position 3769, A replaced by C.
Protein change: p.Met1257Leu; replaces methionine 1257 with leucine.
Molecular consequence: missense variant.
Genome position (GRCh38, 1-based): chr2:165,370,219, A>C. VCF-style: chr2-165370219-A-C. GRCh37 (hg19) VCF-style: chr2-166226729-A-C.
Other names: c.3769A>C, p.Met1257Leu (NM_001040143.2, NM_001371246.1, NM_001371247.1 and 1 more transcripts); short protein forms M1257L.
Identifiers: ClinVar variation 4532545 (VCV004532545.1).
Genomic context (GRCh38, chr2:165,370,219, plus strand): 5'-ACCATTAAGACCATGTTAGAATATGCTGACAAGGTTTTCACTTACATATTCATTCTGGAA[A>C]TGCTGCTAAAGTGGGTTGCATATGGTTTTCAAGTGTATTTTACCAATGCCTGGTGCTGGC-3'
Protein context (NP_001035232.1, residues 1247-1267): KVFTYIFILE[Met1257Leu]LLKWVAYGFQ

ClinVar aggregate classification (germline): Uncertain significance (1 of 4 stars; one submission).

Submission:

GeneDx
Classification: Uncertain significance. Last evaluated: 2025-05-27. Review status: criteria provided, single submitter. Criteria: GeneDx Variant Classification Process June 2021. Collection method: clinical testing. Allele origin: germline. Affected: yes.
Comment: Not observed at significant frequency in large population cohorts (gnomAD); In silico analysis supports that this missense variant has a deleterious effect on protein structure/function; Has not been previously published as pathogenic or benign to our knowledge; This substitution is predicted to be within the transmembrane segment S2 of the third homologous domain